The following is an entry in ClinVar:

ClinVar aggregate classification (germline): Benign (1 of 4 stars; one submission).

Submission:

Laboratory for Molecular Medicine, Mass General Brigham Personalized Medicine
Classification: Benign. Last evaluated: 2016-03-29. Review status: criteria provided, single submitter. Criteria: LMM Criteria. Collection method: clinical testing. Allele origin: germline.
Comment: Variant identified in a genome or exome case(s) and assessed due to predicted null impact of the variant or pathogenic assertions in the literature or databases. Disclaimer: This variant has not undergone full assessment. The following are preliminary notes: Frequency

NM_022149.5(MAGEF1):c.456GGA[9] (p.Glu157_Glu158dup)

Gene: MAGEF1 (MAGE family member F1; minus strand). Cytogenetic location: 3q27.1.
Variant type: Microsatellite.
Coding change: c.456GGA[9] on transcript NM_022149.5 (MANE Select); nine copies in a row of the 3-base unit GGA starting at c.456; the reference has seven copies in a row; two copies, 6 bases duplicated.
Protein change: p.Glu157_Glu158dup.
Molecular consequence: inframe insertion.
Genome position (GRCh38, 1-based): chr3:184,711,346-184,711,351, TCCTCC duplicated on the plus strand (GGAGGA on the coding strand, the reverse complement: MAGEF1 is on the minus strand); duplicating any 6 consecutive bases within chr3:184,711,346-184,711,366 gives the same sequence; the position shown is the placement nearest the transcript's 3' end. VCF-style (leftmost placement, unchanged base first): chr3-184711345-A-ATCCTCC. GRCh37 (hg19) VCF-style: chr3-184429133-A-ATCCTCC.
Other names: NM_022149.4:c.471_476dupGGAGGA.
Identifiers: ClinVar variation 403067 (VCV000403067.4), dbSNP rs34995413, ClinGen allele CA2737118.